The following is an entry in ClinVar:

NM_001374736.1(DST):c.2575A>G (p.Ile859Val)

Gene: DST (dystonin; minus strand). Cytogenetic location: 6p12.1.
Variant type: single nucleotide variant.
Coding change: c.2575A>G on transcript NM_001374736.1 (MANE Select); coding-DNA position 2575, A replaced by G.
Protein change: p.Ile859Val; replaces isoleucine 859 with valine.
Molecular consequence: missense variant.
Genome position (GRCh38, 1-based): chr6:56,639,973, T>C on the plus strand (A>G on the coding strand, the complement: DST is on the minus strand). VCF-style: chr6-56639973-T-C. GRCh37 (hg19) VCF-style: chr6-56504771-T-C.
Other names: c.2476A>G, p.Ile826Val (NM_001144769.5); c.2062A>G, p.Ile688Val (NM_001144770.2); c.2575A>G, p.Ile859Val (NM_001374722.1); c.1942A>G, p.Ile648Val (NM_001374729.1, NM_001374730.1, NM_001386100.1 and 1 more transcripts); c.2602A>G, p.Ile868Val (NM_001374734.1); c.964A>G, p.Ile322Val (NM_001723.7, NM_015548.5); short protein forms I322V, I648V, I688V, I826V, I859V, I868V.
Identifiers: ClinVar variation 541465 (VCV000541465.8), dbSNP rs763558851, ClinGen allele CA3871389.
Genomic context (GRCh38, chr6:56,639,973, plus strand): 5'-TTTTAAATTCACATACCTCACTGATTTTAGCTTCTTTGAGACTAGATTCAAATTCTTCAA[T>C]AGCTCTATGAACATTTTTATGATTTTCTAAATGGCTTTCAACACTTGGCAAATCTGAGCC-3'
Protein context (NP_001361665.1, residues 849-869): LENHKNVHRA[Ile859Val]EEFESSLKEA

ClinVar aggregate classification (germline): Uncertain significance (1 of 4 stars; one submission).

Conditions:
Hereditary sensory and autonomic neuropathy type 6. Also called: HSAN VI; Neuropathy, hereditary sensory and autonomic, type VI. Identifiers: Orphanet 314381, MedGen C3539003, MONDO:0013839, OMIM 614653.
Epidermolysis bullosa simplex 3, localized or generalized intermediate, with BP230 deficiency (EBS3). Also called: Epidermolysis bullosa simplex, autosomal recessive 2; Epidermolysis bullosa simplex due to BP230 deficiency. Identifiers: Orphanet 412181, MedGen C3809470, MONDO:0014180, OMIM 615425.

Allele frequency attached by ClinVar (database versions not stated): ExAC 0.00003; TOPMed 0.00004; gnomAD 0.00005 and 0.00006.
gnomAD v4.1: 39 of 1,613,412 alleles (0.0024%); highest among the groups gnomAD compares: African/African-American, 0.0067%; no homozygotes.

Submission:

Labcorp Genetics (formerly Invitae), Labcorp
Classification: Uncertain significance for Epidermolysis bullosa simplex 3, localized or generalized intermediate, with BP230 deficiency; Hereditary sensory and autonomic neuropathy type 6. Last evaluated: 2022-07-26. Review status: criteria provided, single submitter. Criteria: Invitae Variant Classification Sherloc (09022015). Collection method: clinical testing. Allele origin: germline.
Comment: This sequence change replaces isoleucine, which is neutral and non-polar, with valine, which is neutral and non-polar, at codon 322 of the DST protein (p.Ile322Val). This variant is present in population databases (rs763558851, gnomAD 0.03%). This variant has not been reported in the literature in individuals affected with DST-related conditions. ClinVar contains an entry for this variant (Variation ID: 541465). Algorithms developed to predict the effect of missense changes on protein structure and function (SIFT, PolyPhen-2, Align-GVGD) all suggest that this variant is likely to be disruptive. In summary, the available evidence is currently insufficient to determine the role of this variant in disease. Therefore, it has been classified as a Variant of Uncertain Significance.